The following is an entry in ClinVar:

NM_001035.3(RYR2):c.6893A>G (p.Tyr2298Cys)

Gene: RYR2 (ryanodine receptor 2; plus strand). Cytogenetic location: 1q43.
Variant type: single nucleotide variant.
Coding change: c.6893A>G on transcript NM_001035.3 (MANE Select); coding-DNA position 6893, A replaced by G.
Protein change: p.Tyr2298Cys; replaces tyrosine 2298 with cysteine.
Molecular consequence: missense variant.
Genome position (GRCh38, 1-based): chr1:237,638,457, A>G. VCF-style: chr1-237638457-A-G. GRCh37 (hg19) VCF-style: chr1-237801757-A-G.
Other names: short protein forms Y2298C.
Identifiers: ClinVar variation 3544409 (VCV003544409.2).
Genomic context (GRCh38, chr1:237,638,457, plus strand): 5'-AGATGCTGGTGTCTAAGGGCTATCCAGACATTGGGTGGAACCCAGTTGAAGGAGAGAGAT[A>G]TCTTGACTTTCTTAGATTTGCTGTCTTCTGTAATGGTAGGACTTGATTTCTTGAGGTCTT-3'
Protein context (NP_001026.2, residues 2288-2308): IGWNPVEGER[Tyr2298Cys]LDFLRFAVFC

ClinVar aggregate classification (germline): Likely pathogenic (1 of 4 stars; one submission).

Conditions:
Catecholaminergic polymorphic ventricular tachycardia 1. Also called: VENTRICULAR TACHYCARDIA, STRESS-INDUCED POLYMORPHIC 1; VENTRICULAR TACHYCARDIA, CATECHOLAMINERGIC POLYMORPHIC, 1, WITH OR WITHOUT ATRIAL DYSFUNCTION AND/OR DILATED CARDIOMYOPATHY; RYR2-Related Catecholaminergic Polymorphic Ventricular Tachycardia. Identifiers: Orphanet 3286, MedGen C1631597, MONDO:0011484, OMIM 604772.

Submission:

Molecular Genetics Laboratory, Motol Hospital
Classification: Likely pathogenic for Catecholaminergic polymorphic ventricular tachycardia 1. Last evaluated: 2025-01-08. Review status: criteria provided, single submitter. Criteria: ACMG Guidelines, 2015. Collection method: clinical testing. Allele origin: germline. Affected: yes. Observed: 1 variant allele.
Comment: cosegregation with disease with multiple affected family members in a gene known to cause the disease (PP1), missense variant located in a mutational hotspot (PM1), rare variant not present in gnomAD population (v4.1.0) (PM2), in silico prediction tools support the deleterious effect of this missense variant on the protein (PP3); ACMG PM1, PM2, PP1, PP3